The following is an entry in ClinVar:

ClinVar aggregate classification (germline): Uncertain significance (0 of 4 stars; one submission).

Conditions:
PLXNA1-related disorder. Also called: PLXNA1-related condition.

gnomAD v4.1: 30 of 1,577,764 alleles (0.0019%); highest among the groups gnomAD compares: Non-Finnish European, 0.0026%; no homozygotes.

Submission:

PreventionGenetics, part of Exact Sciences
Classification: Uncertain significance for PLXNA1-related condition. Last evaluated: 2023-12-26. Review status: no assertion criteria provided. Collection method: clinical testing. Allele origin: germline.
Comment: The PLXNA1 c.127A>G variant is predicted to result in the amino acid substitution p.Thr43Ala. To our knowledge, this variant has not been reported in the literature. This variant is reported in 0.0060% of alleles in individuals of European (Non-Finnish) descent in gnomAD. At this time, the clinical significance of this variant is uncertain due to the absence of conclusive functional and genetic evidence.

NM_032242.4(PLXNA1):c.127A>G (p.Thr43Ala)

Gene: PLXNA1 (plexin A1; plus strand). Cytogenetic location: 3q21.3.
Variant type: single nucleotide variant.
Coding change: c.127A>G on transcript NM_032242.4 (MANE Select); coding-DNA position 127, A replaced by G.
Protein change: p.Thr43Ala; replaces threonine 43 with alanine.
Molecular consequence: missense variant.
Genome position (GRCh38, 1-based): chr3:126,988,720, A>G. VCF-style: chr3-126988720-A-G. GRCh37 (hg19) VCF-style: chr3-126707563-A-G.
Other names: short protein forms T43A.
Identifiers: ClinVar variation 3354702 (VCV003354702.1).